The following is an entry in ClinVar:

NM_000256.3(MYBPC3):c.2825T>C (p.Phe942Ser)

Gene: MYBPC3 (myosin binding protein C3; minus strand). Cytogenetic location: 11p11.2.
Variant type: single nucleotide variant.
Coding change: c.2825T>C on transcript NM_000256.3 (MANE Select); coding-DNA position 2825, T replaced by C.
Protein change: p.Phe942Ser; replaces phenylalanine 942 with serine.
Molecular consequence: missense variant.
Genome position (GRCh38, 1-based): chr11:47,335,122, A>G on the plus strand (T>C on the coding strand, the complement: MYBPC3 is on the minus strand). VCF-style: chr11-47335122-A-G. GRCh37 (hg19) VCF-style: chr11-47356673-A-G.
Other names: short protein forms F942S.
Identifiers: ClinVar variation 4082713 (VCV004082713.2).

ClinVar aggregate classification (germline): Uncertain significance. Review status: criteria provided, multiple submitters, no conflicts (2 of 4 stars). 2 submissions from 2 submitters: Uncertain significance (2). Last evaluated 2026-03-04.

Conditions:
Hypertrophic cardiomyopathy 4. Also called: Familial hypertrophic cardiomyopathy 4. Identifiers: MedGen C1861862, MONDO:0007268, OMIM 115197.

Submissions (2):

Helix
Classification: Uncertain significance for Hypertrophic cardiomyopathy 4. Last evaluated: 2026-03-04. Review status: criteria provided, single submitter. Criteria: ACMG Guidelines, 2015. Collection method: clinical testing. Allele origin: germline. Inheritance: Autosomal dominant inheritance.
Comment: This variant (NM_000256.3:c.2825T>C p.Phe942Ser) results in the substitution of phenylalanine with serine at codon 942 in the MYBPC3 protein. It is a rare variant that is absent from the large gnomAD population database (v4.1). To our knowledge, this variant has not been reported in individuals with MYBPC3-related conditions in the published literature. In silico prediction from REVEL (PMID: 27666373) suggests that this variant may be deleterious. This variant is present in ClinVar (Accession: VCV004082713.1). In conclusion, since the available evidence is limited, the clinical significance of this variant is unclear at this time. Therefore, it is classified as a Variant of Uncertain Significance.

GeneDx
Classification: Uncertain significance. Last evaluated: 2025-03-05. Review status: criteria provided, single submitter. Criteria: GeneDx Variant Classification Process June 2021. Collection method: clinical testing. Allele origin: germline. Affected: yes.
Comment: Not observed at significant frequency in large population cohorts (gnomAD); In silico analysis supports that this missense variant has a deleterious effect on protein structure/function; Has not been previously published as pathogenic or benign to our knowledge